The following is an entry in ClinVar:

ClinVar aggregate classification (germline): Uncertain significance (1 of 4 stars; one submission).

Conditions:
Malignant hyperthermia, susceptibility to, 1 (MHS1). Also called: Anesthesia related hyperthermia; Malignant hyperpyrexia; Fulminating hyperpyrexia; Pharmacogenic myopathy; RYR1-Related Malignant Hyperthermia Susceptibility; Malignant hyperthermia suceptibility 1. Identifiers: Orphanet 423, MedGen C2930980, MONDO:0007783, OMIM 145600.

Submission:

All of Us Research Program, National Institutes of Health
Classification: Uncertain significance for Malignant hyperthermia, susceptibility to, 1. Last evaluated: 2023-12-01. Review status: criteria provided, single submitter. Criteria: ACMG Guidelines, 2015. Collection method: clinical testing. Allele origin: germline. Inheritance: Autosomal dominant inheritance. Observed: 2 variant alleles, 2 heterozygotes.
Comment: This study involves interpretation of variants in research participants for the purpose of population health screening. Participant phenotype was not available at the time of variant classification. Additional details can be found in publication PMID: 35346344, PMCID: PMC8962531

NM_000540.3(RYR1):c.10873T>C (p.Ser3625Pro)

Gene: RYR1 (ryanodine receptor 1; plus strand). Cytogenetic location: 19q13.2.
Variant type: single nucleotide variant.
Coding change: c.10873T>C on transcript NM_000540.3 (MANE Select); coding-DNA position 10873, T replaced by C.
Protein change: p.Ser3625Pro; replaces serine 3625 with proline.
Molecular consequence: missense variant.
Genome position (GRCh38, 1-based): chr19:38,528,354, T>C. VCF-style: chr19-38528354-T-C. GRCh37 (hg19) VCF-style: chr19-39018994-T-C.
Other names: c.10858T>C, p.Ser3620Pro (NM_001042723.2); short protein forms S3620P, S3625P.
Identifiers: ClinVar variation 3074418 (VCV003074418.1), dbSNP rs2514494448, ClinGen allele CA405649444.
Genomic context (GRCh38, chr19:38,528,354, plus strand): 5'-TCCCCTCCCCAGACCGAGCACCCTTACAAGTCTAAGAAGGCCGTGTGGCACAAGCTTTTG[T>C]CCAAACAGCGCCGGCGGGCAGTCGTGGCCTGTTTCCGTATGACGCCCCTGTACAACCTGC-3'
Protein context (NP_000531.2, residues 3615-3635): SKKAVWHKLL[Ser3625Pro]KQRRRAVVAC